The following is an entry in ClinVar:

ClinVar aggregate classification (germline): Conflicting classifications of pathogenicity. Review status: criteria provided, conflicting classifications (1 of 4 stars). 8 submissions from 8 submitters: Uncertain significance (5); Likely benign (3). Last evaluated 2026-09-21.

Conditions:
TTN-related disorder. Also called: TTN-related condition; TTN-related disease; TTN-related disorders.
Cardiovascular phenotype. Identifiers: MedGen CN230736.
Autosomal recessive limb-girdle muscular dystrophy type 2J (LGMDR10). Also called: MUSCULAR DYSTROPHY, LIMB-GIRDLE, AUTOSOMAL RECESSIVE 10; Limb-girdle muscular dystrophy, type 2J. Identifiers: Orphanet 140922, MedGen C1837342, MONDO:0012127, OMIM 608807.
Dilated cardiomyopathy 1G (CMD1G). Identifiers: Orphanet 154, MedGen C1858763, MONDO:0011400, OMIM 604145.

Allele frequency attached by ClinVar (database versions not stated): gnomAD 0.00030 and 0.00034; TOPMed 0.00032; gnomAD exomes 0.00003 and 0.00007; ExAC 0.00009; ESP Exome Variant Server 0.00025.
gnomAD v4.1: 86 of 1,610,362 alleles (0.0053%); highest among the groups gnomAD compares: African/African-American, 0.088%; no homozygotes.

Submissions (8):

PreventionGenetics, part of Exact Sciences
Classification: Uncertain significance for TTN-related condition. Last evaluated: 2026-09-21. Review status: criteria provided, single submitter. Criteria: ACMG Guidelines, 2015. Collection method: clinical testing. Allele origin: germline.
Comment: The TTN c.49015C>T variant is predicted to result in the amino acid substitution p.Arg16339Trp. To our knowledge, this variant has not been reported in the literature. This variant is reported in 0.095% of alleles in individuals of African descent in gnomAD. Although we suspect that this variant may be benign, at this time, the clinical significance of this variant is uncertain due to the absence of conclusive functional and genetic evidence.

Molecular Diagnostic Laboratory for Inherited Cardiovascular Disease, Montreal Heart Institute
Classification: Likely benign. Last evaluated: 2026-03-27. Review status: criteria provided, single submitter. Criteria: ACMG Guidelines, 2015. Collection method: clinical testing. Allele origin: germline. Affected: no.
Comment: BP1

Women's Health and Genetics/Laboratory Corporation of America, LabCorp
Classification: Uncertain significance. Last evaluated: 2023-06-18. Review status: criteria provided, single submitter. Criteria: LabCorp Variant Classification Summary - May 2015. Collection method: clinical testing. Allele origin: germline.

Mayo Clinic Laboratories, Mayo Clinic
Classification: Uncertain significance. Last evaluated: 2022-03-25. Review status: criteria provided, single submitter. Criteria: ACMG Guidelines, 2015. Collection method: clinical testing. Allele origin: germline. Observed: 1 variant allele.
Comment: PM2

Revvity Omics, Revvity
Classification: Uncertain significance. Last evaluated: 2020-11-04. Review status: criteria provided, single submitter. Criteria: ACMG Guidelines, 2015. Collection method: clinical testing. Allele origin: germline.

Ambry Genetics
Classification: Likely benign for Cardiovascular phenotype. Last evaluated: 2020-07-10. Review status: criteria provided, single submitter. Criteria: Ambry Variant Classification Scheme 2023. Collection method: clinical testing. Allele origin: germline.

GeneDx
Classification: Likely benign. Last evaluated: 2018-03-05. Review status: criteria provided, single submitter. Criteria: GeneDx Variant Classification (06012015). Collection method: clinical testing. Allele origin: germline. Affected: yes.
Comment: This variant is considered likely benign or benign based on one or more of the following criteria: it is a conservative change, it occurs at a poorly conserved position in the protein, it is predicted to be benign by multiple in silico algorithms, and/or has population frequency not consistent with disease.

Labcorp Genetics (formerly Invitae), Labcorp
Classification: Uncertain significance for Dilated cardiomyopathy 1G; Autosomal recessive limb-girdle muscular dystrophy type 2J. Last evaluated: 2017-08-14. Review status: criteria provided, single submitter. Criteria: Invitae Variant Classification Sherloc (09022015). Collection method: clinical testing. Allele origin: germline.

NM_001267550.2(TTN):c.49015C>T (p.Arg16339Trp)

Genes: TTN-AS1 (TTN antisense RNA 1; plus strand), TTN (titin; minus strand), LOC126806426 (BRD4-independent group 4 enhancer GRCh37_chr2:179478848-179480047; plus strand). Cytogenetic location: 2q31.2.
Variant type: single nucleotide variant.
Coding change: c.49015C>T on transcript NM_001267550.2 (MANE Select); coding-DNA position 49015, C replaced by T.
Protein change: p.Arg16339Trp; replaces arginine 16339 with tryptophan.
Molecular consequence: missense variant. On other transcripts: non-coding transcript variant (1).
Genome position (GRCh38, 1-based): chr2:178,614,499, G>A on the plus strand (C>T on the coding strand, the complement: TTN is on the minus strand). VCF-style: chr2-178614499-G-A. GRCh37 (hg19) VCF-style: chr2-179479226-G-A.
Other names: p.Arg13771Trp; c.44092C>T, p.Arg14698Trp (NM_001256850.1); c.21820C>T, p.Arg7274Trp (NM_003319.4); c.41311C>T, p.Arg13771Trp (NM_133378.4); c.22195C>T, p.Arg7399Trp (NM_133432.3); c.22396C>T, p.Arg7466Trp (NM_133437.4); short protein forms R16339W, R14698W, R7274W, R13771W, R7399W, R7466W.
Identifiers: ClinVar variation 238790 (VCV000238790.12), dbSNP rs201793958, ClinGen allele CA1994704.